The following is an entry in ClinVar:

ClinVar aggregate classification (germline): Conflicting classifications of pathogenicity. Review status: criteria provided, conflicting classifications (1 of 4 stars). 2 submissions from 2 submitters: Uncertain significance (1); Likely benign (1). Last evaluated 2026-01-12.

Conditions:
CHRM3-related disorder. Also called: CHRM3-related condition.

Allele frequency attached by ClinVar (database versions not stated): ExAC 0.00052; gnomAD 0.00056; TOPMed 0.00057; ESP Exome Variant Server 0.00069; gnomAD exomes 0.00081.
gnomAD v4.1: 1,253 of 1,614,000 alleles (0.078%); highest among the groups gnomAD compares: Non-Finnish European, 0.1%; 1 homozygote.

Submissions (2):

Labcorp Genetics (formerly Invitae), Labcorp
Classification: Uncertain significance. Last evaluated: 2026-01-12. Review status: criteria provided, single submitter. Criteria: Invitae Variant Classification Sherloc (09022015). Collection method: clinical testing. Allele origin: germline.
Comment: This sequence change replaces threonine, which is neutral and polar, with methionine, which is neutral and non-polar, at codon 451 of the CHRM3 protein (p.Thr451Met). This variant is present in population databases (rs140545853, gnomAD 0.09%), and has an allele count higher than expected for a pathogenic variant. This variant has not been reported in the literature in individuals affected with CHRM3-related conditions. ClinVar contains an entry for this variant (Variation ID: 2712292). An algorithm developed to predict the effect of missense changes on protein structure and function outputs the following: PolyPhen-2: "Benign". The methionine amino acid residue is found in multiple mammalian species, which suggests that this missense change does not adversely affect protein function. In summary, the available evidence is currently insufficient to determine the role of this variant in disease. Therefore, it has been classified as a Variant of Uncertain Significance.

PreventionGenetics, part of Exact Sciences
Classification: Likely benign for CHRM3-related condition. Last evaluated: 2024-12-12. Review status: criteria provided, single submitter. Criteria: ACMG Guidelines, 2015. Collection method: clinical testing. Allele origin: germline.
Comment: This variant is classified as likely benign based on ACMG/AMP sequence variant interpretation guidelines (Richards et al. 2015 PMID: 25741868, with internal and published modifications).

NM_001375978.1(CHRM3):c.1352C>T (p.Thr451Met)

Gene: CHRM3 (cholinergic receptor muscarinic 3; plus strand). Cytogenetic location: 1q43.
Variant type: single nucleotide variant.
Coding change: c.1352C>T on transcript NM_001375978.1 (MANE Select); coding-DNA position 1352, C replaced by T.
Protein change: p.Thr451Met; replaces threonine 451 with methionine.
Molecular consequence: missense variant.
Genome position (GRCh38, 1-based): chr1:239,908,803, C>T. VCF-style: chr1-239908803-C-T. GRCh37 (hg19) VCF-style: chr1-240072103-C-T.
Other names: c.1352C>T (NM_000740.3); c.1352C>T, p.Thr451Met (NM_000740.4, NM_001347716.2, NM_001375979.1 and 6 more transcripts); short protein forms T451M.
Identifiers: ClinVar variation 2712292 (VCV002712292.3), dbSNP rs140545853, ClinGen allele CA1475928.